The following is an entry in ClinVar:

NM_001110556.2(FLNA):c.4889C>T (p.Ser1630Phe)

Gene: FLNA (filamin A; minus strand). Cytogenetic location: Xq28.
Variant type: single nucleotide variant.
Coding change: c.4889C>T on transcript NM_001110556.2 (MANE Select); coding-DNA position 4889, C replaced by T.
Protein change: p.Ser1630Phe; replaces serine 1630 with phenylalanine.
Molecular consequence: missense variant.
Genome position (GRCh38, 1-based): chrX:154,357,490, G>A on the plus strand (C>T on the coding strand, the complement: FLNA is on the minus strand). VCF-style: chrX-154357490-G-A. GRCh37 (hg19) VCF-style: chrX-153585858-G-A.
Other names: c.4889C>T, p.Ser1630Phe (NM_001456.4); short protein forms S1630F.
Identifiers: ClinVar variation 2441467 (VCV002441467.4), dbSNP rs2522733358, ClinGen allele CA415213664.

ClinVar aggregate classification (germline): Uncertain significance. Review status: criteria provided, multiple submitters, no conflicts (2 of 4 stars). 2 submissions from 2 submitters: Uncertain significance (2). Last evaluated 2024-02-06.

Conditions:
Oto-palato-digital syndrome, type I (OPD1). Also called: OPD I SYNDROME; OPD SYNDROME 1; Otopalatodigital Syndrome Type 1 (FLNA-OPD1); Taybi syndrome; Otopalatodigital Syndrome, Type I. Identifiers: Orphanet 669, Orphanet 90650, MedGen C0265251, MONDO:0010704, OMIM 311300.

Submissions (2):

3billion
Classification: Uncertain significance for Oto-palato-digital syndrome, type I. Last evaluated: 2024-02-06. Review status: criteria provided, single submitter. Criteria: ACMG Guidelines, 2015. Collection method: clinical testing. Allele origin: germline. Affected: yes.
Comment: The variant is not observed in the gnomAD v2.1.1 dataset. Predicted Consequence/Location: Missense variant In silico tool predictions suggest damaging effect of the variant on gene or gene product [REVEL: 0.95 (>=0.6, sensitivity 0.68 and specificity 0.92)]. Therefore, this variant is classified as VUS according to the recommendation of ACMG/AMP guideline.

Revvity Omics, Revvity
Classification: Uncertain significance. Last evaluated: 2023-10-24. Review status: criteria provided, single submitter. Criteria: ACMG Guidelines, 2015. Collection method: clinical testing. Allele origin: germline.